The following is an entry in ClinVar:

NM_173651.4(FSIP2):c.9739A>G (p.Arg3247Gly)

Genes: FSIP2 (fibrous sheath interacting protein 2; plus strand), FSIP2-AS1 (FSIP2 antisense RNA 1; minus strand). Cytogenetic location: 2q32.1.
Variant type: single nucleotide variant.
Coding change: c.9739A>G on transcript NM_173651.4 (MANE Select); coding-DNA position 9739, A replaced by G.
Protein change: p.Arg3247Gly; replaces arginine 3247 with glycine.
Molecular consequence: missense variant.
Genome position (GRCh38, 1-based): chr2:185,796,875, A>G. VCF-style: chr2-185796875-A-G. GRCh37 (hg19) VCF-style: chr2-186661602-A-G.
Other names: c.9739A>G (NM_173651.3); short protein forms R3247G.
Identifiers: ClinVar variation 1335430 (VCV001335430.37), dbSNP rs142306380, ClinGen allele CA2016878.

ClinVar aggregate classification (germline): Conflicting classifications of pathogenicity. Review status: criteria provided, conflicting classifications (1 of 4 stars). 4 submissions from 4 submitters: Uncertain significance (1); Likely benign (1). 2 of the submissions do not count toward it. Last evaluated 2025-08-01.

Conditions:
Spermatogenic failure 34. Identifiers: MedGen C4748403, MONDO:0029148, OMIM 618153.
FSIP2-related disorder. Also called: FSIP2-related condition.

Allele frequency attached by ClinVar (database versions not stated): 1000 Genomes Project 30x 0.00094; 1000 Genomes Project 0.00100; ExAC 0.00190; gnomAD exomes 0.00214; TOPMed 0.00216; gnomAD 0.00241 and 0.00246.
gnomAD v4.1: 5,290 of 1,535,102 alleles (0.34%); highest among the groups gnomAD compares: Non-Finnish European, 0.42%; 13 homozygotes.

Submissions (4):

CeGaT Center for Human Genetics Tuebingen
Classification: Likely benign. Last evaluated: 2025-08-01. Review status: criteria provided, single submitter. Criteria: CeGaT Center For Human Genetics Tuebingen Variant Classification Criteria Version 2. Collection method: clinical testing. Allele origin: germline. Affected: yes. Observed: 3 variant alleles.
Comment: FSIP2: BP4, BS2

Breakthrough Genomics
Classification: Uncertain significance. Review status: criteria provided, single submitter. Criteria: ACMG Guidelines, 2015. Collection method: not provided. Allele origin: germline. Inheritance: Autosomal recessive inheritance. Affected: yes.

Zotz-Klimas Genetics Lab, MVZ Zotz Klimas
Classification: Uncertain significance for Spermatogenic failure 34. Last evaluated: 2023-10-09. Review status: no assertion criteria provided. Collection method: clinical testing. Allele origin: germline. Affected: yes. Not counted in ClinVar's aggregate classification.

PreventionGenetics, part of Exact Sciences
Classification: Likely benign for FSIP2-related condition. Last evaluated: 2022-06-15. Review status: no assertion criteria provided. Collection method: clinical testing. Allele origin: germline. Not counted in ClinVar's aggregate classification.
Comment: This variant is classified as likely benign based on ACMG/AMP sequence variant interpretation guidelines (Richards et al. 2015 PMID: 25741868, with internal and published modifications).